The following is an entry in ClinVar:

ClinVar aggregate classification (germline): Uncertain significance (1 of 4 stars; one submission).

Allele frequency attached by ClinVar (database versions not stated): TOPMed below 0.00001; gnomAD 0.00001.
gnomAD v4.1: 4 of 1,612,802 alleles (0.00025%); highest among the groups gnomAD compares: Non-Finnish European, 0.00034%; no homozygotes.

Submission:

Labcorp Genetics (formerly Invitae), Labcorp
Classification: Uncertain significance. Last evaluated: 2022-08-23. Review status: criteria provided, single submitter. Criteria: Invitae Variant Classification Sherloc (09022015). Collection method: clinical testing. Allele origin: germline.
Comment: This sequence change replaces glutamic acid, which is acidic and polar, with glutamine, which is neutral and polar, at codon 1875 of the FAT4 protein (p.Glu1875Gln). This variant is not present in population databases (gnomAD no frequency). This variant has not been reported in the literature in individuals affected with FAT4-related conditions. ClinVar contains an entry for this variant (Variation ID: 1515664). Advanced modeling of protein sequence and biophysical properties (such as structural, functional, and spatial information, amino acid conservation, physicochemical variation, residue mobility, and thermodynamic stability) performed at Invitae indicates that this missense variant is not expected to disrupt FAT4 protein function. In summary, the available evidence is currently insufficient to determine the role of this variant in disease. Therefore, it has been classified as a Variant of Uncertain Significance.

NM_001291303.3(FAT4):c.5623G>C (p.Glu1875Gln)

Gene: FAT4 (FAT atypical cadherin 4; plus strand). Cytogenetic location: 4q28.1.
Variant type: single nucleotide variant.
Coding change: c.5623G>C on transcript NM_001291303.3 (MANE Select); coding-DNA position 5623, G replaced by C.
Protein change: p.Glu1875Gln; replaces glutamic acid 1875 with glutamine.
Molecular consequence: missense variant.
Genome position (GRCh38, 1-based): chr4:125,408,497, G>C. VCF-style: chr4-125408497-G-C. GRCh37 (hg19) VCF-style: chr4-126329652-G-C.
Other names: c.5623G>C, p.Glu1875Gln (NM_001291285.3, NM_024582.6); short protein forms E1875Q.
Identifiers: ClinVar variation 1515664 (VCV001515664.5), dbSNP rs1189699181, ClinGen allele CA358123202.